The following is an entry in ClinVar:

NM_001723.7(DST):c.4359A>T (p.Glu1453Asp)

Gene: DST (dystonin; minus strand). Cytogenetic location: 6p12.1.
Variant type: single nucleotide variant.
Coding change: c.4359A>T on transcript NM_001723.7 (MANE Plus Clinical); coding-DNA position 4359, A replaced by T.
Protein change: p.Glu1453Asp; replaces glutamic acid 1453 with aspartic acid.
Molecular consequence: missense variant. On other transcripts: intron variant (10).
Genome position (GRCh38, 1-based): chr6:56,619,675, T>A on the plus strand (A>T on the coding strand, the complement: DST is on the minus strand). VCF-style: chr6-56619675-T-A. GRCh37 (hg19) VCF-style: chr6-56484473-T-A.
Other names: c.4830+4855A>T (NM_001144769.5); c.4929+4855A>T (NM_001374722.1, NM_001374736.1); c.4956+4855A>T (NM_001374734.1); c.4416+4855A>T (NM_001144770.2); c.4296+4855A>T (NM_001374730.1, NM_001386100.1, NM_183380.4 and 1 more transcripts); c.3318+4855A>T (NM_015548.5); short protein forms E1453D.
Identifiers: ClinVar variation 1025173 (VCV001025173.6), dbSNP rs139011720, ClinGen allele CA3870545.
Genomic context (GRCh38, chr6:56,619,675, plus strand): 5'-TAATTCTAACTGATAATTGCGCTTTATTTTCTTGAGATCACTAGCTTCTTGCATGGCTTC[T>A]TCAGCTTTACCTGTGGTTTGATTCAATTGCCTACCAAGCTCTCTGAGTTGTTGAGAATAC-3'
Protein context (NP_001714.1, residues 1443-1463): RQLNQTTGKA[Glu1453Asp]EAMQEASDLK

ClinVar aggregate classification (germline): Uncertain significance (1 of 4 stars; one submission).

Conditions:
Hereditary sensory and autonomic neuropathy type 6. Also called: Neuropathy, hereditary sensory and autonomic, type VI; HSAN VI. Identifiers: Orphanet 314381, MedGen C3539003, MONDO:0013839, OMIM 614653.
Epidermolysis bullosa simplex 3, localized or generalized intermediate, with BP230 deficiency (EBS3). Also called: Epidermolysis bullosa simplex due to BP230 deficiency; Epidermolysis bullosa simplex, autosomal recessive 2. Identifiers: Orphanet 412181, MedGen C3809470, MONDO:0014180, OMIM 615425.

Allele frequency attached by ClinVar (database versions not stated): gnomAD exomes 0.00001 and 0.00003; ExAC 0.00003; gnomAD 0.00007; TOPMed 0.00008; ESP Exome Variant Server 0.00023.
gnomAD v4.1: 14 of 1,613,814 alleles (0.00087%); highest among the groups gnomAD compares: African/African-American, 0.019%; no homozygotes.

Submission:

Labcorp Genetics (formerly Invitae), Labcorp
Classification: Uncertain significance for Epidermolysis bullosa simplex 3, localized or generalized intermediate, with BP230 deficiency; Hereditary sensory and autonomic neuropathy type 6. Last evaluated: 2022-07-19. Review status: criteria provided, single submitter. Criteria: Invitae Variant Classification Sherloc (09022015). Collection method: clinical testing. Allele origin: germline.
Comment: This sequence change replaces glutamic acid, which is acidic and polar, with aspartic acid, which is acidic and polar, at codon 1453 of the DST protein (p.Glu1453Asp). This variant is present in population databases (rs139011720, gnomAD 0.03%). This variant has not been reported in the literature in individuals affected with DST-related conditions. ClinVar contains an entry for this variant (Variation ID: 1025173). Algorithms developed to predict the effect of missense changes on protein structure and function are either unavailable or do not agree on the potential impact of this missense change (SIFT: "Tolerated"; PolyPhen-2: "Possibly Damaging"; Align-GVGD: "Class C0"). In summary, the available evidence is currently insufficient to determine the role of this variant in disease. Therefore, it has been classified as a Variant of Uncertain Significance.